The following is an entry in ClinVar:

ClinVar aggregate classification (germline): Conflicting classifications of pathogenicity. Review status: criteria provided, conflicting classifications (1 of 4 stars). 2 submissions from 2 submitters: Uncertain significance (1); Likely benign (1). Last evaluated 2026-01-18.

Conditions:
Mitochondrial complex II deficiency, nuclear type 1. Also called: SUCCINATE CoQ REDUCTASE DEFICIENCY. Identifiers: Orphanet 3208, MedGen C5700310, MONDO:0100294, OMIM 252011.
Pheochromocytoma/paraganglioma syndrome 5. Also called: Paragangliomas 5; SDHA-Related Hereditary Paraganglioma-Pheochromocytoma Syndrome. Identifiers: Orphanet 29072, MedGen C3279992, MONDO:0013602, OMIM 614165.
Hereditary cancer-predisposing syndrome. Also called: Neoplastic Syndromes, Hereditary; Tumor predisposition; Hereditary neoplastic syndrome; Hereditary Cancer Syndrome. Identifiers: Orphanet 140162, MedGen C0027672, MeSH D009386, MONDO:0015356.

Allele frequency attached by ClinVar (database versions not stated): gnomAD exomes 0.00001.

Submissions (2):

Labcorp Genetics (formerly Invitae), Labcorp
Classification: Likely benign for Pheochromocytoma/paraganglioma syndrome 5; Mitochondrial complex II deficiency, nuclear type 1. Last evaluated: 2026-01-18. Review status: criteria provided, single submitter. Criteria: Invitae Variant Classification Sherloc (09022015). Collection method: clinical testing. Allele origin: germline.

Ambry Genetics
Classification: Uncertain significance for Hereditary cancer-predisposing syndrome. Last evaluated: 2020-11-23. Review status: criteria provided, single submitter. Criteria: Ambry Variant Classification Scheme 2023. Collection method: clinical testing. Allele origin: germline.
Comment: The c.1261-3C>T intronic variant results from a C to T substitution 3 nucleotides upstream from coding exon 10 in the SDHA gene. This nucleotide position is not well conserved in available vertebrate species. In silico splice site analysis predicts that this alteration will not have any significant effect on splicing. Since supporting evidence is limited at this time, the clinical significance of this alteration remains unclear.

NM_004168.4(SDHA):c.1261-3C>T

Gene: SDHA (succinate dehydrogenase complex flavoprotein subunit A; plus strand). Cytogenetic location: 5p15.33.
Variant type: single nucleotide variant.
Coding change: c.1261-3C>T on transcript NM_004168.4 (MANE Select); 3 bases into the intron before coding-DNA position 1261, C replaced by T.
Molecular consequence: intron variant.
Genome position (GRCh38, 1-based): chr5:236,425, C>T. VCF-style: chr5-236425-C-T. GRCh37 (hg19) VCF-style: chr5-236540-C-T.
Other names: c.1261-3C>T (NM_001330758.2); c.1117-3C>T (NM_001294332.2).
Identifiers: ClinVar variation 539700 (VCV000539700.11), dbSNP rs1553999705, ClinGen allele CA658796490.